The following is an entry in ClinVar:

ClinVar aggregate classification (germline): Uncertain significance. Review status: criteria provided, multiple submitters, no conflicts (2 of 4 stars). 2 submissions from 2 submitters: Uncertain significance (2). Last evaluated 2025-08-13.

Conditions:
Inborn genetic diseases. Identifiers: MedGen C0950123, MeSH D030342.
Hereditary spastic paraplegia 7 (SPG7). Also called: Autosomal recessive spastic paraplegia type 7; SPG7-related neurologic disorder; SPASTIC PARAPLEGIA 7, AUTOSOMAL RECESSIVE, WITH OR WITHOUT CEREBELLAR ATAXIA; Spastic paraplegia 7; Hereditary spastic paraplegia Paraplegin type. Identifiers: Orphanet 99013, MedGen C1846564, MONDO:0011803, OMIM 607259.

Allele frequency attached by ClinVar (database versions not stated): ExAC 0.00003; gnomAD 0.00004; gnomAD exomes 0.00004; ESP Exome Variant Server 0.00008; 1000 Genomes Project 30x 0.00016; 1000 Genomes Project 0.00020.
gnomAD v4.1: 31 of 1,614,102 alleles (0.0019%); highest among the groups gnomAD compares: East Asian, 0.013%; no homozygotes.

Submissions (2):

Ambry Genetics
Classification: Uncertain significance for Inborn genetic diseases. Last evaluated: 2025-08-13. Review status: criteria provided, single submitter. Criteria: Ambry Variant Classification Scheme 2023. Collection method: clinical testing. Allele origin: germline.

Labcorp Genetics (formerly Invitae), Labcorp
Classification: Uncertain significance for Hereditary spastic paraplegia 7. Last evaluated: 2023-07-08. Review status: criteria provided, single submitter. Criteria: Invitae Variant Classification Sherloc (09022015). Collection method: clinical testing. Allele origin: germline.
Comment: In summary, the available evidence is currently insufficient to determine the role of this variant in disease. Therefore, it has been classified as a Variant of Uncertain Significance. Advanced modeling of protein sequence and biophysical properties (such as structural, functional, and spatial information, amino acid conservation, physicochemical variation, residue mobility, and thermodynamic stability) performed at Invitae indicates that this missense variant is expected to disrupt SPG7 protein function. ClinVar contains an entry for this variant (Variation ID: 1407118). This variant has not been reported in the literature in individuals affected with SPG7-related conditions. This variant is present in population databases (rs368373840, gnomAD 0.02%). This sequence change replaces alanine, which is neutral and non-polar, with threonine, which is neutral and polar, at codon 345 of the SPG7 protein (p.Ala345Thr).

NM_003119.4(SPG7):c.1033G>A (p.Ala345Thr)

Gene: SPG7 (SPG7 matrix AAA peptidase subunit, paraplegin; plus strand). Cytogenetic location: 16q24.3.
Variant type: single nucleotide variant.
Coding change: c.1033G>A on transcript NM_003119.4 (MANE Select); coding-DNA position 1033, G replaced by A.
Protein change: p.Ala345Thr; replaces alanine 345 with threonine.
Molecular consequence: missense variant.
Genome position (GRCh38, 1-based): chr16:89,531,949, G>A. VCF-style: chr16-89531949-G-A. GRCh37 (hg19) VCF-style: chr16-89598357-G-A.
Other names: c.1033G>A (NM_003119.2); c.1033G>A, p.Ala345Thr (NM_001363850.1, NM_199367.3); short protein forms A345T.
Identifiers: ClinVar variation 1407118 (VCV001407118.8), dbSNP rs368373840, ClinGen allele CA8243914.